The following is an entry in ClinVar:

NM_001042492.3(NF1):c.4453G>T (p.Asp1485Tyr)

Gene: NF1 (neurofibromin 1; plus strand). Cytogenetic location: 17q11.2.
Variant type: single nucleotide variant.
Coding change: c.4453G>T on transcript NM_001042492.3 (MANE Select); coding-DNA position 4453, G replaced by T.
Protein change: p.Asp1485Tyr; replaces aspartic acid 1485 with tyrosine.
Molecular consequence: missense variant.
Genome position (GRCh38, 1-based): chr17:31,260,391, G>T. VCF-style: chr17-31260391-G-T. GRCh37 (hg19) VCF-style: chr17-29587409-G-T.
Other names: c.4390G>T, p.Asp1464Tyr (NM_000267.4); short protein forms D1464Y, D1485Y.
Identifiers: ClinVar variation 1025866 (VCV001025866.6), dbSNP rs2067662991, ClinGen allele CA398999236.

ClinVar aggregate classification (germline): Uncertain significance. Review status: criteria provided, multiple submitters, no conflicts (2 of 4 stars). 2 submissions from 2 submitters: Uncertain significance (2). Last evaluated 2022-03-01.

Conditions:
Juvenile myelomonocytic leukemia (JMML). Also called: LEUKEMIA, JUVENILE MYELOMONOCYTIC, SOMATIC. Identifiers: Orphanet 86834, MedGen C0349639, MONDO:0011908, OMIM 607785, HP:0012209.
Neurofibromatosis, familial spinal (FSNF). Identifiers: Orphanet 636, MedGen C1834235, MONDO:0008078, OMIM 162210. Disease mechanism: loss of function.
Neurofibromatosis-Noonan syndrome (NFNS). Also called: NEUROFIBROMATOSIS WITH NOONAN PHENOTYPE. Identifiers: Orphanet 638, MedGen C2931482, MONDO:0011035, OMIM 601321. Disease mechanism: loss of function.
Café-au-lait macules with pulmonary stenosis (WTSN). Also called: PULMONIC STENOSIS WITH CAFE-AU-LAIT SPOTS. Identifiers: MedGen C0553586, MONDO:0008672, OMIM 193520.
Neurofibromatosis, type 1 (NF1). Also called: Peripheral type neurofibromatosis; Neurofibromatosis, type I; VON RECKLINGHAUSEN DISEASE; NEUROFIBROMATOSIS, TYPE I, SOMATIC. Identifiers: Orphanet 636, MedGen C0027831, MONDO:0018975, OMIM 162200. Disease mechanism: loss of function.

Allele frequency attached by ClinVar (database versions not stated): gnomAD exomes below 0.00001.
gnomAD v4.1: 1 of 1,613,928 alleles (0.000062%); highest among the groups gnomAD compares: South Asian, 0.0011%; no homozygotes.

Submissions (2):

Labcorp Genetics (formerly Invitae), Labcorp
Classification: Uncertain significance for Neurofibromatosis, type 1. Last evaluated: 2022-03-01. Review status: criteria provided, single submitter. Criteria: Invitae Variant Classification Sherloc (09022015). Collection method: clinical testing. Allele origin: germline.
Comment: In summary, the available evidence is currently insufficient to determine the role of this variant in disease. Therefore, it has been classified as a Variant of Uncertain Significance. Advanced modeling of protein sequence and biophysical properties (such as structural, functional, and spatial information, amino acid conservation, physicochemical variation, residue mobility, and thermodynamic stability) performed at Invitae indicates that this missense variant is expected to disrupt NF1 protein function. ClinVar contains an entry for this variant (Variation ID: 1025866). This variant has not been reported in the literature in individuals affected with NF1-related conditions. This variant is not present in population databases (gnomAD no frequency). This sequence change replaces aspartic acid, which is acidic and polar, with tyrosine, which is neutral and polar, at codon 1464 of the NF1 protein (p.Asp1464Tyr).

Fulgent Genetics
Classification: Uncertain significance for Neurofibromatosis, type 1; Neurofibromatosis, familial spinal; Café-au-lait macules with pulmonary stenosis; Neurofibromatosis-Noonan syndrome; Juvenile myelomonocytic leukemia. Last evaluated: 2021-11-12. Review status: criteria provided, single submitter. Criteria: ACMG Guidelines, 2015. Collection method: clinical testing. Allele origin: unknown.